The following is an entry in ClinVar:

NM_031935.3(HMCN1):c.14639T>G (p.Ile4880Ser)

Gene: HMCN1 (hemicentin 1; plus strand). Cytogenetic location: 1q31.1.
Variant type: single nucleotide variant.
Coding change: c.14639T>G on transcript NM_031935.3 (MANE Select); coding-DNA position 14639, T replaced by G.
Protein change: p.Ile4880Ser; replaces isoleucine 4880 with serine.
Molecular consequence: missense variant.
Genome position (GRCh38, 1-based): chr1:186,151,230, T>G. VCF-style: chr1-186151230-T-G. GRCh37 (hg19) VCF-style: chr1-186120362-T-G.
Other names: short protein forms I4880S.
Identifiers: ClinVar variation 875904 (VCV000875904.10), dbSNP rs77460954, ClinGen allele CA1295027.

ClinVar aggregate classification (germline): Uncertain significance. Review status: criteria provided, multiple submitters, no conflicts (2 of 4 stars). 4 submissions from 4 submitters: Uncertain significance (4). Last evaluated 2025-07-28.

Conditions:
Age related macular degeneration 1 (ARMD1). Also called: MACULOPATHY, AGE-RELATED, 1. Identifiers: MedGen C1864205, MONDO:0011285, OMIM 603075.

Allele frequency attached by ClinVar (database versions not stated): gnomAD exomes 0.00005; TOPMed 0.00006; ExAC 0.00007; gnomAD 0.00009; 1000 Genomes Project 30x 0.00016; 1000 Genomes Project 0.00020.
gnomAD v4.1: 308 of 1,613,858 alleles (0.019%); highest among the groups gnomAD compares: Non-Finnish European, 0.025%; 1 homozygote.

Submissions (4):

Labcorp Genetics (formerly Invitae), Labcorp
Classification: Uncertain significance. Last evaluated: 2025-07-28. Review status: criteria provided, single submitter. Criteria: Invitae Variant Classification Sherloc (09022015). Collection method: clinical testing. Allele origin: germline.
Comment: This sequence change replaces isoleucine, which is neutral and non-polar, with serine, which is neutral and polar, at codon 4880 of the HMCN1 protein (p.Ile4880Ser). This variant is present in population databases (rs77460954, gnomAD 0.01%). This variant has not been reported in the literature in individuals affected with HMCN1-related conditions. ClinVar contains an entry for this variant (Variation ID: 875904). An algorithm developed to predict the effect of missense changes on protein structure and function (PolyPhen-2) suggests that this variant is likely to be disruptive. In summary, the available evidence is currently insufficient to determine the role of this variant in disease. Therefore, it has been classified as a Variant of Uncertain Significance.

Ambry Genetics
Classification: Uncertain significance. Last evaluated: 2025-05-17. Review status: criteria provided, single submitter. Criteria: Ambry Variant Classification Scheme 2023. Collection method: clinical testing. Allele origin: germline.

Genome-Nilou Lab
Classification: Uncertain significance for Age related macular degeneration 1. Last evaluated: 2023-04-11. Review status: criteria provided, single submitter. Criteria: ACMG Guidelines, 2015. Collection method: clinical testing. Allele origin: germline. Affected: no.

Illumina Laboratory Services, Illumina
Classification: Uncertain significance for Age related macular degeneration 1. Last evaluated: 2018-01-13. Review status: criteria provided, single submitter. Criteria: ICSL Variant Classification Criteria 13 December 2019. Collection method: clinical testing. Allele origin: germline.